The following is an entry in ClinVar:

NM_004239.4(TRIP11):c.754C>A (p.Arg252=)

Gene: TRIP11 (thyroid hormone receptor interactor 11; minus strand). Cytogenetic location: 14q32.12.
Variant type: single nucleotide variant.
Coding change: c.754C>A on transcript NM_004239.4 (MANE Select); coding-DNA position 754, C replaced by A.
Protein change: p.Arg252=; no amino-acid change (arginine 252 retained).
Molecular consequence: synonymous variant.
Genome position (GRCh38, 1-based): chr14:92,015,765, G>T on the plus strand (C>A on the coding strand, the complement: TRIP11 is on the minus strand). VCF-style: chr14-92015765-G-T. GRCh37 (hg19) VCF-style: chr14-92482109-G-T.
Other names: c.751C>A, p.Arg251= (NM_001321851.1).
Identifiers: ClinVar variation 511798 (VCV000511798.14), dbSNP rs186197454, ClinGen allele CA7314108.
Genomic context (GRCh38, chr14:92,015,765, plus strand): 5'-ACAGATTTTCAAGTTCTTCAATTCGTTCTTCATAGTCACTTAATTCTTCTCGATGTCGTC[G>T]ACTTATTTCTGTCAATTTCTGTTGGTGTGCATTCTGCAGTACTGACATTTCATGTTGATG-3'
Protein context (NP_004230.2, residues 242-262): AHQQKLTEIS[Arg252=]RHREELSDYE

ClinVar aggregate classification (germline): Benign/Likely benign. Review status: criteria provided, multiple submitters, no conflicts (2 of 4 stars). 3 submissions from 3 submitters: Benign (1); Likely benign (2). Last evaluated 2025-12-06.

Conditions:
Achondrogenesis, type IA (ACG1A). Identifiers: Orphanet 932, Orphanet 93299, MedGen C0265273, MONDO:0008701, OMIM 200600.

Allele frequency attached by ClinVar (database versions not stated): TOPMed 0.00022; gnomAD 0.00025; 1000 Genomes Project 0.00120; 1000 Genomes Project 30x 0.00141.
gnomAD v4.1: 221 of 1,613,274 alleles (0.014%); highest among the groups gnomAD compares: East Asian, 0.42%; 1 homozygote.

Submissions (3):

Labcorp Genetics (formerly Invitae), Labcorp
Classification: Benign for Achondrogenesis, type IA. Last evaluated: 2025-12-06. Review status: criteria provided, single submitter. Criteria: Invitae Variant Classification Sherloc (09022015). Collection method: clinical testing. Allele origin: germline.

Illumina Laboratory Services, Illumina
Classification: Likely benign for Achondrogenesis, type IA. Last evaluated: 2018-01-13. Review status: criteria provided, single submitter. Criteria: ICSL Variant Classification Criteria 13 December 2019. Collection method: clinical testing. Allele origin: germline.
Comment: This variant was observed in the ICSL laboratory as part of a predisposition screen in an ostensibly healthy population. It had not been previously curated by ICSL or reported in the Human Gene Mutation Database (HGMD: prior to June 1st, 2018), and was therefore a candidate for classification through an automated scoring system. Utilizing variant allele frequency, disease prevalence and penetrance estimates, and inheritance mode, an automated score was calculated to assess if this variant is too frequent to cause the disease. Based on the score and internal cut-off values, a variant classified as likely benign is not then subjected to further curation. The score for this variant resulted in a classification of likely benign for this disease.

GeneDx
Classification: Likely benign. Last evaluated: 2017-09-01. Review status: criteria provided, single submitter. Criteria: GeneDx Variant Classification (06012015). Collection method: clinical testing. Allele origin: germline. Affected: yes.
Comment: This variant is considered likely benign or benign based on one or more of the following criteria: it is a conservative change, it occurs at a poorly conserved position in the protein, it is predicted to be benign by multiple in silico algorithms, and/or has population frequency not consistent with disease.